The following is an entry in ClinVar:

NM_000138.5(FBN1):c.6596G>A (p.Gly2199Asp)

Gene: FBN1 (fibrillin 1; minus strand). Cytogenetic location: 15q21.1.
Variant type: single nucleotide variant.
Coding change: c.6596G>A on transcript NM_000138.5 (MANE Select); coding-DNA position 6596, G replaced by A.
Protein change: p.Gly2199Asp; replaces glycine 2199 with aspartic acid.
Molecular consequence: missense variant.
Genome position (GRCh38, 1-based): chr15:48,434,614, C>T on the plus strand (G>A on the coding strand, the complement: FBN1 is on the minus strand). VCF-style: chr15-48434614-C-T. GRCh37 (hg19) VCF-style: chr15-48726811-C-T.
Other names: short protein forms G2199D.
Identifiers: ClinVar variation 617872 (VCV000617872.2), dbSNP rs1566895247, ClinGen allele CA392334706.

ClinVar aggregate classification (germline): Uncertain significance. Review status: criteria provided, single submitter (1 of 4 stars). 2 submissions from 2 submitters: Uncertain significance (1). 1 of the submissions does not count toward it. Last evaluated 2023-09-08.

Conditions:
Acute aortic dissection. Identifiers: MedGen C0241868.
Congenital aneurysm of ascending aorta (AAT1). Also called: AORTIC ANEURYSM, FAMILIAL THORACIC 1; Familial thoracic aortic aneurysm; ANNULOAORTIC ECTASIA; Aortic aneurysm, thoracic. Identifiers: Orphanet 229, MedGen C0345050, MONDO:0024559, OMIM 607086.
FBN1-related disorder. Also called: FBN1-related disorders.

Submissions (2):

PreventionGenetics, part of Exact Sciences
Classification: Uncertain significance for FBN1-related condition. Last evaluated: 2023-09-08. Review status: criteria provided, single submitter. Criteria: ACMG Guidelines, 2015. Collection method: clinical testing. Allele origin: germline.
Comment: The FBN1 c.6596G>A variant is predicted to result in the amino acid substitution p.Gly2199Asp. This variant has been reported in an individual with familial thoracic aortic aneurysms and dissections (FTAAD) (Family ID TAA289, Regalado et al. 2016. PubMed ID: 26621581). This variant has not been reported in a large population database, indicating this variant is rare. At this time, the clinical significance of this variant is uncertain due to the absence of conclusive functional and genetic evidence.

University of Washington Center for Mendelian Genomics, University of Washington
Classification: Uncertain significance for Familial thoracic aortic aneurysms; Acute aortic dissections. Last evaluated: 2016-01-20. Review status: no assertion criteria provided. Collection method: research. Allele origin: unknown. Affected: yes. Not counted in ClinVar's aggregate classification.

Literature cited by the submitters: PubMed 26621581 (cited by University of Washington Center for Mendelian Genomics, University of Washington).